The following is an entry in ClinVar:

ClinVar aggregate classification (germline): Likely benign. Review status: criteria provided, multiple submitters, no conflicts (2 of 4 stars). 5 submissions from 5 submitters: Likely benign (5). Last evaluated 2025-11-12.

Conditions:
TCF4-related disorder. Also called: TCF4-related condition.
Inborn genetic diseases. Identifiers: MedGen C0950123, MeSH D030342.
Congenital myopathy. Identifiers: Orphanet 97245, MedGen C0270960, MONDO:0019952.
Pitt-Hopkins syndrome (PTHS). Also called: MENTAL RETARDATION, SYNDROMAL, WITH INTERMITTENT HYPERVENTILATION; ENCEPHALOPATHY, SEVERE EPILEPTIC, WITH AUTONOMIC DYSFUNCTION. Identifiers: Orphanet 2896, MedGen C1970431, MONDO:0012589, OMIM 610954.

Allele frequency attached by ClinVar (database versions not stated): gnomAD below 0.00001 and 0.00001; TOPMed 0.00001; gnomAD exomes 0.00003 and 0.00005; ExAC 0.00004; 1000 Genomes Project 30x 0.00016; 1000 Genomes Project 0.00020.
gnomAD v4.1: 43 of 1,612,604 alleles (0.0027%); highest among the groups gnomAD compares: South Asian, 0.043%; no homozygotes.

Submissions (5):

PreventionGenetics, part of Exact Sciences
Classification: Likely benign for TCF4-related condition. Last evaluated: 2025-11-12. Review status: criteria provided, single submitter. Criteria: ACMG Guidelines, 2015. Collection method: clinical testing. Allele origin: germline.
Comment: This variant is classified as likely benign based on ACMG/AMP sequence variant interpretation guidelines (Richards et al. 2015 PMID: 25741868, with internal and published modifications).

Labcorp Genetics (formerly Invitae), Labcorp
Classification: Likely benign for Pitt-Hopkins syndrome. Last evaluated: 2025-05-13. Review status: criteria provided, single submitter. Criteria: Invitae Variant Classification Sherloc (09022015). Collection method: clinical testing. Allele origin: germline.

Ambry Genetics
Classification: Likely benign for Inborn genetic diseases. Last evaluated: 2024-07-09. Review status: criteria provided, single submitter. Criteria: Ambry Variant Classification Scheme 2023. Collection method: clinical testing. Allele origin: germline.

Cambridge Genomics Laboratory, East Genomic Laboratory Hub, NHS Genomic Medicine Service
Classification: Likely benign for Congenital myopathy. Last evaluated: 2019-04-17. Review status: criteria provided, single submitter. Criteria: ACGS Best Practice Guidelines for Variant Classification in Rare Disease 2020. Collection method: clinical testing. Allele origin: germline. Affected: yes. Observed: 1 variant allele.

Genetic Services Laboratory, University of Chicago
Classification: Likely benign. Last evaluated: 2013-12-12. Review status: criteria provided, single submitter. Criteria: ACMG Guidelines, 2007. Collection method: clinical testing. Allele origin: germline. Inheritance: Autosomal dominant inheritance.

NM_001083962.2(TCF4):c.223A>G (p.Thr75Ala)

Genes: TCF4 (transcription factor 4; minus strand), TCF4-AS1 (TCF4 antisense RNA 1; plus strand). Cytogenetic location: 18q21.2.
Variant type: single nucleotide variant.
Coding change: c.223A>G on transcript NM_001083962.2 (MANE Select); coding-DNA position 223, A replaced by G.
Protein change: p.Thr75Ala; replaces threonine 75 with alanine.
Molecular consequence: missense variant.
Genome position (GRCh38, 1-based): chr18:55,461,100, T>C on the plus strand (A>G on the coding strand, the complement: TCF4 is on the minus strand). VCF-style: chr18-55461100-T-C. GRCh37 (hg19) VCF-style: chr18-53128331-T-C.
Other names: c.529A>G, p.Thr177Ala (NM_001243226.3); c.151A>G, p.Thr51Ala (NM_001243227.2, NM_001306207.1, NM_001348217.1 and 15 more transcripts); c.223A>G, p.Thr75Ala (NM_001243228.2, NM_001330604.3, NM_001369567.1 and 8 more transcripts); c.217A>G, p.Thr73Ala (NM_001243230.2); c.97A>G, p.Thr33Ala (NM_001243231.2, NM_001348211.2); short protein forms T75A, T51A, T73A, T33A, T177A.
Identifiers: ClinVar variation 160082 (VCV000160082.18), dbSNP rs567398278, ClinGen allele CA173647.
Genomic context (GRCh38, chr18:55,461,100, plus strand): 5'-AAGGTGGAGAGAGATTGTCATGTGACCCAAGGTCCCTGCTGGTCATGTGGTCATAGGGAG[T>C]CCCATCTCCATAGTTCTGTAAATAAAATGACAGTGTAAGTTATTATTTTATATTAATAAA-3'
Protein context (NP_001077431.1, residues 65-85): PSPSRNYGDG[Thr75Ala]PYDHMTSRDL